The following is an entry in ClinVar:

NM_001012614.2(CTBP1):c.-205C>G

Genes: CTBP1 (C-terminal binding protein 1; minus strand), LOC129991984 (ATAC-STARR-seq lymphoblastoid silent region 15125; plus strand). Cytogenetic location: 4p16.3.
Variant type: single nucleotide variant.
Coding change: c.-205C>G on transcript NM_001012614.2 (MANE Select); 205 bases upstream of the start codon, C replaced by G.
Molecular consequence: 5 prime UTR variant. On other transcripts: missense variant (2), intron variant (4).
Genome position (GRCh38, 1-based): chr4:1,248,932, G>C on the plus strand (C>G on the coding strand, the complement: CTBP1 is on the minus strand). VCF-style: chr4-1248932-G-C. GRCh37 (hg19) VCF-style: chr4-1242720-G-C.
Other names: c.24C>G, p.Asn8Lys (NM_001328.3, NM_001377186.1); c.-205C>G (NM_001377187.1); c.-189+1228C>G (NM_001377192.1, NM_001377189.1); c.-189+717C>G (NM_001377193.1, NM_001377190.1); short protein forms N8K.
Identifiers: ClinVar variation 1916390 (VCV001916390.6), dbSNP rs1458035918, ClinGen allele CA355964040.

ClinVar aggregate classification (germline): Uncertain significance. Review status: criteria provided, multiple submitters, no conflicts (2 of 4 stars). 2 submissions from 2 submitters: Uncertain significance (2). Last evaluated 2022-12-02.

Conditions:
Inborn genetic diseases. Identifiers: MedGen C0950123, MeSH D030342.

Allele frequency attached by ClinVar (database versions not stated): gnomAD 0.00001; TOPMed 0.00001.
gnomAD v4.1: 27 of 1,011,980 alleles (0.0027%); highest among the groups gnomAD compares: Non-Finnish European, 0.0031%; no homozygotes.

Submissions (2):

Ambry Genetics
Classification: Uncertain significance for Inborn genetic diseases. Last evaluated: 2022-12-02. Review status: criteria provided, single submitter. Criteria: Ambry Variant Classification Scheme 2023. Collection method: clinical testing. Allele origin: germline.

Labcorp Genetics (formerly Invitae), Labcorp
Classification: Uncertain significance. Last evaluated: 2022-04-24. Review status: criteria provided, single submitter. Criteria: Invitae Variant Classification Sherloc (09022015). Collection method: clinical testing. Allele origin: germline.
Comment: This sequence change replaces asparagine, which is neutral and polar, with lysine, which is basic and polar, at codon 8 of the CTBP1 protein (p.Asn8Lys). This variant is present in population databases (no rsID available, gnomAD 0.008%). In summary, the available evidence is currently insufficient to determine the role of this variant in disease. Therefore, it has been classified as a Variant of Uncertain Significance. Algorithms developed to predict the effect of missense changes on protein structure and function (SIFT, PolyPhen-2, Align-GVGD) all suggest that this variant is likely to be tolerated. This variant has not been reported in the literature in individuals affected with CTBP1-related conditions.